The following is an entry in ClinVar:

NM_033026.6(PCLO):c.3962C>T (p.Pro1321Leu)

Gene: PCLO (piccolo presynaptic cytomatrix protein; minus strand). Cytogenetic location: 7q21.11.
Variant type: single nucleotide variant.
Coding change: c.3962C>T on transcript NM_033026.6 (MANE Select); coding-DNA position 3962, C replaced by T.
Protein change: p.Pro1321Leu; replaces proline 1321 with leucine.
Molecular consequence: missense variant.
Genome position (GRCh38, 1-based): chr7:82,965,826, G>A on the plus strand (C>T on the coding strand, the complement: PCLO is on the minus strand). VCF-style: chr7-82965826-G-A. GRCh37 (hg19) VCF-style: chr7-82595142-G-A.
Other names: c.3962C>T, p.Pro1321Leu (NM_014510.3); short protein forms P1321L.
Identifiers: ClinVar variation 3341378 (VCV003341378.1).

ClinVar aggregate classification (germline): Uncertain significance (1 of 4 stars; one submission).

Conditions:
Pontocerebellar hypoplasia type 3 (PCH3). Also called: CEREBELLAR ATROPHY WITH PROGRESSIVE MICROCEPHALY; PCH WITH OPTIC ATROPHY. Identifiers: Orphanet 97249, MedGen C1842687, MONDO:0011948, OMIM 608027.

gnomAD v4.1: 12 of 1,613,838 alleles (0.00074%); highest among the groups gnomAD compares: South Asian, 0.012%; no homozygotes.

Submission:

Neuberg Centre For Genomic Medicine, NCGM
Classification: Uncertain significance for Pontocerebellar hypoplasia type 3. Last evaluated: 2023-05-20. Review status: criteria provided, single submitter. Criteria: ACMG Guidelines, 2015. Collection method: clinical testing. Allele origin: germline. Inheritance: Autosomal recessive inheritance. Affected: yes.
Comment: The observed missense variant c.3962C>T(p.Pro1321Leu) in PCLO gene has not been reported previously as a pathogenic variant nor as a benign variant, to our knowledge. This variant is reported with the allele frequency 0.004% in the gnomAD Exomes. The amino acid Proline at position 1321 is changed to a Leucine changing protein sequence and it might alter its composition and physico-chemical properties. The variant is predicted as damaging by SIFT. The residue is conserved by GERP++ and PhyloP across 100 vertebrates. For these reasons, this variant has been classified as Uncertain Significance.